The following is an entry in ClinVar:

ClinVar aggregate classification (germline): Uncertain significance (1 of 4 stars; one submission).

Conditions:
Anauxetic dysplasia. Identifiers: Orphanet 93347, MedGen C1846796, MONDO:0011773.

gnomAD v4.1: 5 of 700,454 alleles (0.00071%); no homozygotes.

Submission:

Labcorp Genetics (formerly Invitae), Labcorp
Classification: Uncertain significance for Anauxetic dysplasia. Last evaluated: 2025-04-28. Review status: criteria provided, single submitter. Criteria: Invitae Variant Classification Sherloc (09022015). Collection method: clinical testing. Allele origin: germline.
Comment: This variant occurs in the RMRP gene, which encodes an RNA molecule that does not result in a protein product. This variant is not present in population databases (gnomAD no frequency). This variant has been observed in individual(s) with clinical features of RMRP-related conditions (internal data). In at least one individual the data is consistent with being in trans (on the opposite chromosome) from a pathogenic variant. It has also been observed to segregate with disease in related individuals. ClinVar contains an entry for this variant (Variation ID: 1009809). Experimental studies and prediction algorithms are not available or were not evaluated, and the functional significance of this variant is currently unknown. In summary, the available evidence is currently insufficient to determine the role of this variant in disease. Therefore, it has been classified as a Variant of Uncertain Significance.

NC_000009.12:g.35657939C>G

Gene: RMRP (RNA component of mitochondrial RNA processing endoribonuclease; minus strand). Cytogenetic location: 9p13.3.
Variant type: single nucleotide variant.
Genome position: GRCh38 VCF-style: chr9-35657939-C-G. GRCh37 (hg19) VCF-style: chr9-35657936-C-G.
Identifiers: ClinVar variation 1009809 (VCV001009809.9), dbSNP rs756128568, ClinGen allele CA464450847.
Genomic context (GRCh38, chr9:35,657,939, plus strand): 5'-TGGAGTGGGAAGCGGGGAATGTCTACGTGCGTATGCACGTGGCACTCTCTGCCCGAGGTC[C>G]GGGGACTTTCCCCTAGGCGGAAAGGGGAGGAACAGAGTCCTCAGTGTGTAGCCTAGGATA-3'